The following is an entry in ClinVar:

NM_003269.5(NR2E1):c.336G>A (p.Glu112=)

Gene: NR2E1 (nuclear receptor subfamily 2 group E member 1; plus strand). Cytogenetic location: 6q21.
Variant type: single nucleotide variant.
Coding change: c.336G>A on transcript NM_003269.5 (MANE Select); coding-DNA position 336, G replaced by A.
Protein change: p.Glu112=; no amino-acid change (glutamic acid 112 retained).
Molecular consequence: synonymous variant.
Genome position (GRCh38, 1-based): chr6:108,176,579, G>A. VCF-style: chr6-108176579-G-A. GRCh37 (hg19) VCF-style: chr6-108497783-G-A.
Other names: c.447G>A, p.Glu149= (NM_001286102.1).
Identifiers: ClinVar variation 3058415 (VCV003058415.2), dbSNP rs148180359, ClinGen allele CA3948303.

ClinVar aggregate classification (germline): Likely benign (0 of 4 stars; one submission).

Conditions:
NR2E1-related disorder. Also called: NR2E1-related condition.

Allele frequency attached by ClinVar (database versions not stated): gnomAD exomes 0.00001; ExAC 0.00003; gnomAD 0.00004; TOPMed 0.00006; ESP Exome Variant Server 0.00015.
gnomAD v4.1: 30 of 1,612,950 alleles (0.0019%); highest among the groups gnomAD compares: Middle Eastern, 0.033%; 1 homozygote.

Submission:

PreventionGenetics, part of Exact Sciences
Classification: Likely benign for NR2E1-related condition. Last evaluated: 2019-03-01. Review status: no assertion criteria provided. Collection method: clinical testing. Allele origin: germline.
Comment: This variant is classified as likely benign based on ACMG/AMP sequence variant interpretation guidelines (Richards et al. 2015 PMID: 25741868, with internal and published modifications).